The following is an entry in ClinVar:

ClinVar aggregate classification (germline): Likely benign (0 of 4 stars; one submission).

Conditions:
EHHADH-related disorder. Also called: EHHADH-related condition.

Allele frequency attached by ClinVar (database versions not stated): gnomAD 0.00007; gnomAD exomes 0.00011; 1000 Genomes Project 0.00020; ExAC 0.00023; 1000 Genomes Project 30x 0.00031.
gnomAD v4.1: 176 of 1,613,938 alleles (0.011%); highest among the groups gnomAD compares: South Asian, 0.15%; 1 homozygote.

Submission:

PreventionGenetics, part of Exact Sciences
Classification: Likely benign for EHHADH-related condition. Last evaluated: 2021-05-25. Review status: no assertion criteria provided. Collection method: clinical testing. Allele origin: germline.
Comment: This variant is classified as likely benign based on ACMG/AMP sequence variant interpretation guidelines (Richards et al. 2015 PMID: 25741868, with internal and published modifications).

NM_001966.4(EHHADH):c.234T>C (p.His78=)

Gene: EHHADH (enoyl-CoA hydratase and 3-hydroxyacyl CoA dehydrogenase; minus strand). Cytogenetic location: 3q27.2.
Variant type: single nucleotide variant.
Coding change: c.234T>C on transcript NM_001966.4 (MANE Select); coding-DNA position 234, T replaced by C.
Protein change: p.His78=; no amino-acid change (histidine 78 retained).
Molecular consequence: synonymous variant. On other transcripts: 5 prime UTR variant (1).
Genome position (GRCh38, 1-based): chr3:185,235,407, A>G on the plus strand (T>C on the coding strand, the complement: EHHADH is on the minus strand). VCF-style: chr3-185235407-A-G. GRCh37 (hg19) VCF-style: chr3-184953195-A-G.
Other names: c.-55T>C (NM_001166415.2).
Identifiers: ClinVar variation 3061538 (VCV003061538.2), dbSNP rs556809815, ClinGen allele CA2739276.